The following is an entry in ClinVar:

ClinVar aggregate classification (germline): Pathogenic (1 of 4 stars; one submission).

Conditions:
Intellectual disability, autosomal recessive 53 (NEDHSCA). Also called: GLYCOSYLPHOSPHATIDYLINOSITOL BIOSYNTHESIS DEFECT 13; Mental retardation, autosomal recessive 53; NEURODEVELOPMENTAL DISORDER WITH OR WITHOUT HYPOTONIA, SEIZURES, AND CEREBELLAR ATROPHY. Identifiers: Orphanet 488635, MedGen C4310794, MONDO:0014832, OMIM 616917.

Submission:

Labcorp Genetics (formerly Invitae), Labcorp
Classification: Pathogenic for Intellectual disability, autosomal recessive 53. Last evaluated: 2022-05-24. Review status: criteria provided, single submitter. Criteria: Invitae Variant Classification Sherloc (09022015). Collection method: clinical testing. Allele origin: germline.
Comment: For these reasons, this variant has been classified as Pathogenic. This variant disrupts a region of the PIGG protein in which other variant(s) (p.Gln851Pro) have been determined to be pathogenic (PMID: 34113002). This suggests that this is a clinically significant region of the protein, and that variants that disrupt it are likely to be disease-causing. This variant has not been reported in the literature in individuals affected with PIGG-related conditions. This variant is a gross deletion of the genomic region encompassing exon(s) 10-13 of the PIGG gene, which includes the termination codon. This deletion extends beyond the assayed region for this gene and therefore may encompass additional genes. While this deletion is not anticipated to lead to nonsense mediated decay, it is expected to alter mRNA translation or result in a truncated protein product.

Literature cited by the submitters: PubMed 34113002.

NC_000004.11:g.(?_520808)_(1020391_?)del

Genes: ATP5ME (ATP synthase membrane subunit e; minus strand), CPLX1 (complexin 1; minus strand), DGKQ (diacylglycerol kinase theta; minus strand), FGFRL1 (fibroblast growth factor receptor like 1; plus strand), GAK (cyclin G associated kinase; minus strand) and 8 more. Cytogenetic location: 4p16.3.
Variant type: Deletion.
Identifiers: ClinVar variation 2423740 (VCV002423740.6).